The following is an entry in ClinVar:

ClinVar aggregate classification (germline): Uncertain significance. Review status: criteria provided, multiple submitters, no conflicts (2 of 4 stars). 3 submissions from 3 submitters: Uncertain significance (3). Last evaluated 2024-11-25.

Conditions:
Inborn genetic diseases. Identifiers: MedGen C0950123, MeSH D030342.
Familial hemophagocytic lymphohistiocytosis 2 (FHL2). Also called: PRF1-Related Familial Hemophagocytic Lymphohistiocytosis (PRF1-fHLH). Identifiers: Orphanet 540, MedGen C1863727, MONDO:0011337, OMIM 603553.

Allele frequency attached by ClinVar (database versions not stated): TOPMed 0.00004.
gnomAD v4.1: 110 of 1,614,062 alleles (0.0068%); highest among the groups gnomAD compares: Non-Finnish European, 0.0085%; no homozygotes.

Submissions (3):

Ambry Genetics
Classification: Uncertain significance for Inborn genetic diseases. Last evaluated: 2024-11-25. Review status: criteria provided, single submitter. Criteria: Ambry Variant Classification Scheme 2023. Collection method: clinical testing. Allele origin: germline.

Labcorp Genetics (formerly Invitae), Labcorp
Classification: Uncertain significance for Familial hemophagocytic lymphohistiocytosis 2. Last evaluated: 2022-05-30. Review status: criteria provided, single submitter. Criteria: Invitae Variant Classification Sherloc (09022015). Collection method: clinical testing. Allele origin: germline.
Comment: This sequence change replaces arginine, which is basic and polar, with tryptophan, which is neutral and slightly polar, at codon 464 of the PRF1 protein (p.Arg464Trp). This variant is present in population databases (rs754602851, gnomAD 0.01%). This variant has not been reported in the literature in individuals affected with PRF1-related conditions. ClinVar contains an entry for this variant (Variation ID: 649865). Algorithms developed to predict the effect of missense changes on protein structure and function (SIFT, PolyPhen-2, Align-GVGD) all suggest that this variant is likely to be tolerated. In summary, the available evidence is currently insufficient to determine the role of this variant in disease. Therefore, it has been classified as a Variant of Uncertain Significance.

Revvity Omics, Revvity
Classification: Uncertain significance. Last evaluated: 2019-05-31. Review status: criteria provided, single submitter. Criteria: ACMG Guidelines, 2015. Collection method: clinical testing. Allele origin: germline.

NM_001083116.3(PRF1):c.1390C>T (p.Arg464Trp)

Gene: PRF1 (perforin 1; minus strand). Cytogenetic location: 10q22.1.
Variant type: single nucleotide variant.
Coding change: c.1390C>T on transcript NM_001083116.3 (MANE Select); coding-DNA position 1390, C replaced by T.
Protein change: p.Arg464Trp; replaces arginine 464 with tryptophan.
Molecular consequence: missense variant.
Genome position (GRCh38, 1-based): chr10:70,598,331, G>A on the plus strand (C>T on the coding strand, the complement: PRF1 is on the minus strand). VCF-style: chr10-70598331-G-A. GRCh37 (hg19) VCF-style: chr10-72358087-G-A.
Other names: c.1390C>T, p.Arg464Trp (NM_005041.6); short protein forms R464W.
Identifiers: ClinVar variation 649865 (VCV000649865.9), dbSNP rs754602851, ClinGen allele CA5538754.